The following is an entry in ClinVar:

ClinVar aggregate classification (germline): Likely benign (1 of 4 stars; one submission).

Conditions:
Cardiomyopathy (CMYO). Also called: Cardiomyopathies. Identifiers: Orphanet 167848, MedGen C0878544, MONDO:0004994, HP:0001638. Inheritance: Various modes of inheritance.

Submission:

All of Us Research Program, National Institutes of Health
Classification: Likely benign for Cardiomyopathy. Last evaluated: 2023-05-16. Review status: criteria provided, single submitter. Criteria: ACMG Guidelines, 2015. Collection method: clinical testing. Allele origin: germline. Inheritance: Autosomal dominant inheritance. Observed: 1 variant allele, 1 heterozygote.
Comment: This study involves interpretation of variants in research participants for the purpose of population health screening. Participant phenotype was not available at the time of variant classification. Additional details can be found in publication PMID: 35346344, PMCID: PMC8962531

NM_000257.4(MYH7):c.1579-15C>T

Gene: MYH7 (myosin heavy chain 7; minus strand). Cytogenetic location: 14q11.2.
Variant type: single nucleotide variant.
Coding change: c.1579-15C>T on transcript NM_000257.4 (MANE Select); 15 bases into the intron before coding-DNA position 1579, C replaced by T.
Molecular consequence: intron variant.
Genome position (GRCh38, 1-based): chr14:23,427,909, G>A on the plus strand (C>T on the coding strand, the complement: MYH7 is on the minus strand). VCF-style: chr14-23427909-G-A. GRCh37 (hg19) VCF-style: chr14-23897118-G-A.
Other names: c.1579-15C>T (NM_001407004.1).
Identifiers: ClinVar variation 3071188 (VCV003071188.1), dbSNP rs2502297709, ClinGen allele CA2825002220.